The following is an entry in ClinVar:

ClinVar aggregate classification (germline): Uncertain significance (1 of 4 stars; one submission).

Allele frequency attached by ClinVar (database versions not stated): ExAC 0.00001; gnomAD 0.00001; TOPMed 0.00001; gnomAD exomes below 0.00001.

Submission:

Labcorp Genetics (formerly Invitae), Labcorp
Classification: Uncertain significance. Last evaluated: 2024-04-09. Review status: criteria provided, single submitter. Criteria: Invitae Variant Classification Sherloc (09022015). Collection method: clinical testing. Allele origin: germline.
Comment: This sequence change replaces asparagine, which is neutral and polar, with serine, which is neutral and polar, at codon 422 of the FAR1 protein (p.Asn422Ser). This variant is present in population databases (rs750752020, gnomAD 0.002%). This variant has not been reported in the literature in individuals affected with FAR1-related conditions. Advanced modeling of protein sequence and biophysical properties (such as structural, functional, and spatial information, amino acid conservation, physicochemical variation, residue mobility, and thermodynamic stability) performed at Invitae indicates that this missense variant is not expected to disrupt FAR1 protein function with a negative predictive value of 80%. In summary, the available evidence is currently insufficient to determine the role of this variant in disease. Therefore, it has been classified as a Variant of Uncertain Significance.

NM_032228.6(FAR1):c.1265A>G (p.Asn422Ser)

Gene: FAR1 (fatty acyl-CoA reductase 1; plus strand). Cytogenetic location: 11p15.3.
Variant type: single nucleotide variant.
Coding change: c.1265A>G on transcript NM_032228.6 (MANE Select); coding-DNA position 1265, A replaced by G.
Protein change: p.Asn422Ser; replaces asparagine 422 with serine.
Molecular consequence: missense variant.
Genome position (GRCh38, 1-based): chr11:13,727,563, A>G. VCF-style: chr11-13727563-A-G. GRCh37 (hg19) VCF-style: chr11-13749110-A-G.
Other names: short protein forms N422S.
Identifiers: ClinVar variation 2966672 (VCV002966672.3), dbSNP rs750752020, ClinGen allele CA5893525.